The following is an entry in ClinVar:

ClinVar aggregate classification (germline): Pathogenic (1 of 4 stars; one submission).

Submission:

Labcorp Genetics (formerly Invitae), Labcorp
Classification: Pathogenic. Last evaluated: 2024-04-16. Review status: criteria provided, single submitter. Criteria: Invitae Variant Classification Sherloc (09022015). Collection method: clinical testing. Allele origin: germline.
Comment: This sequence change creates a premature translational stop signal (p.Lys365Asnfs*13) in the PKLR gene. It is expected to result in an absent or disrupted protein product. Loss-of-function variants in PKLR are known to be pathogenic (PMID: 15953013, 26832193). This variant is not present in population databases (gnomAD no frequency). This variant has not been reported in the literature in individuals affected with PKLR-related conditions. For these reasons, this variant has been classified as Pathogenic.

Literature cited by the submitters: PubMed 15953013; PubMed 26832193.

NM_000298.6(PKLR):c.1095del (p.Lys365fs)

Gene: PKLR (pyruvate kinase L/R; minus strand). Cytogenetic location: 1q22.
Variant type: Deletion.
Coding change: c.1095del on transcript NM_000298.6 (MANE Select); coding-DNA position 1095, one base deleted (G; older notation c.1095delG).
Protein change: p.Lys365fs; shifts the reading frame from lysine 365.
Molecular consequence: frameshift variant.
Genome position (GRCh38, 1-based): chr1:155,294,256, C deleted on the plus strand (G on the coding strand, the reverse complement: PKLR is on the minus strand). VCF-style (leftmost placement, unchanged base first): chr1-155294255-GC-G. GRCh37 (hg19) VCF-style: chr1-155264046-GC-G.
Other names: c.1002del, p.Lys334fs (NM_181871.4); short protein forms K365fs, K334fs.
Identifiers: ClinVar variation 3650084 (VCV003650084.2).